The following is an entry in ClinVar:

NM_001370259.2(MEN1):c.1269G>A (p.Trp423Ter)

Gene: MEN1 (menin 1; minus strand). Cytogenetic location: 11q13.1.
Variant type: single nucleotide variant.
Coding change: c.1269G>A on transcript NM_001370259.2 (MANE Select); coding-DNA position 1269, G replaced by A.
Protein change: p.Trp423Ter; replaces tryptophan 423 with a stop codon.
Molecular consequence: nonsense.
Genome position (GRCh38, 1-based): chr11:64,805,115, C>T on the plus strand (G>A on the coding strand, the complement: MEN1 is on the minus strand). VCF-style: chr11-64805115-C-T. GRCh37 (hg19) VCF-style: chr11-64572587-C-T.
Other names: c.1284G>A, p.Trp428Ter (NM_000244.4, NM_130800.3, NM_130801.3 and 3 more transcripts); c.1395G>A, p.Trp465Ter (NM_001370251.2); c.1269G>A, p.Trp423Ter (NM_001370260.2, NM_001370261.2, NM_130799.3); c.1164G>A, p.Trp388Ter (NM_001370262.2, NM_001370263.2); short protein forms W423*, W428*, W388*, W465*.
Identifiers: ClinVar variation 428077 (VCV000428077.12), dbSNP rs1114167533, ClinGen allele CA381180410.

ClinVar aggregate classification (germline): Pathogenic. Review status: criteria provided, multiple submitters, no conflicts (2 of 4 stars). 2 submissions from 2 submitters: Pathogenic (2). Last evaluated 2017-08-16.

Conditions:
Hereditary cancer-predisposing syndrome. Also called: Hereditary Cancer Syndrome; Neoplastic Syndromes, Hereditary; Hereditary neoplastic syndrome; Tumor predisposition. Identifiers: Orphanet 140162, MedGen C0027672, MeSH D009386, MONDO:0015356.

Submissions (2):

ARUP Laboratories, Molecular Genetics and Genomics, ARUP Laboratories
Classification: Pathogenic. Last evaluated: 2017-08-16. Review status: criteria provided, single submitter. Criteria: ARUP Molecular Germline Variant Investigation Process. Collection method: clinical testing. Allele origin: germline.
Comment: The MEN1 c.1269G>A; p.Trp423Ter variant (rs1114167533) has been described in the literature in an individual with multiple endocrine neoplasia type 1 (MEN 1) (Takagi 2006). It is reported in ClinVar (Variation ID: 428077), and is absent from general population databases (Exome Variant Server, Genome Aggregation Database). This variant induces an early termination codon and is predicted to result in a truncated protein or absent transcript. Taken together, this variant is considered pathogenic. REFERENCES Link to ClinVar database for p.Trp423Ter: Takagi J et al. Multiple endocrine neoplasia type I and Cushing's syndrome due to an aggressive ACTH producing thymic carcinoid. Intern Med. 2006;45(2):81-6. Epub 2006 Feb 15.

Ambry Genetics
Classification: Pathogenic for Hereditary cancer-predisposing syndrome. Last evaluated: 2016-06-06. Review status: criteria provided, single submitter. Criteria: Ambry Variant Classification Scheme 2023. Collection method: clinical testing. Allele origin: germline.
Comment: The p.W423* pathogenic mutation (also known as c.1269G>A), located in coding exon 8 of the MEN1 gene, results from a G to A substitution at nucleotide position 1269. This changes the amino acid from a tryptophan to a stop codon within coding exon 8. In addition to the clinical data presented in the literature, since premature stop codons are typically deleterious in nature, this alteration is interpreted as a disease-causing mutation (ACMG Recommendations for Standards for Interpretation and Reporting of Sequence Variations. Revision 2007. Genet Med. 2008;10:294).

Literature cited by the submitters: PubMed 16484744 (cited by Ambry Genetics).